The following is an entry in ClinVar:

ClinVar aggregate classification (germline): Uncertain significance. Review status: criteria provided, multiple submitters, no conflicts (2 of 4 stars). 2 submissions from 2 submitters: Uncertain significance (2). Last evaluated 2022-11-01.

Conditions:
Stickler syndrome. Identifiers: Orphanet 828, MedGen C0265253, MONDO:0019354.

Allele frequency attached by ClinVar (database versions not stated): gnomAD exomes below 0.00001; TOPMed below 0.00001.

Submissions (2):

Labcorp Genetics (formerly Invitae), Labcorp
Classification: Uncertain significance. Last evaluated: 2022-11-01. Review status: criteria provided, single submitter. Criteria: Invitae Variant Classification Sherloc (09022015). Collection method: clinical testing. Allele origin: germline.
Comment: In summary, the available evidence is currently insufficient to determine the role of this variant in disease. Therefore, it has been classified as a Variant of Uncertain Significance. Advanced modeling of protein sequence and biophysical properties (such as structural, functional, and spatial information, amino acid conservation, physicochemical variation, residue mobility, and thermodynamic stability) performed at Invitae indicates that this missense variant is not expected to disrupt COL9A2 protein function. ClinVar contains an entry for this variant (Variation ID: 1355629). This variant has not been reported in the literature in individuals affected with COL9A2-related conditions. This variant is not present in population databases (gnomAD no frequency). This sequence change replaces valine, which is neutral and non-polar, with isoleucine, which is neutral and non-polar, at codon 470 of the COL9A2 protein (p.Val470Ile).

Department of Pathology and Laboratory Medicine, Sinai Health System
Classification: Uncertain significance for Stickler syndrome. Last evaluated: 2021-10-22. Review status: criteria provided, single submitter. Criteria: ACMG Guidelines, 2015. Collection method: research. Allele origin: germline.

NM_001852.4(COL9A2):c.1408G>A (p.Val470Ile)

Gene: COL9A2 (collagen type IX alpha 2 chain; minus strand). Cytogenetic location: 1p34.2.
Variant type: single nucleotide variant.
Coding change: c.1408G>A on transcript NM_001852.4 (MANE Select); coding-DNA position 1408, G replaced by A.
Protein change: p.Val470Ile; replaces valine 470 with isoleucine.
Molecular consequence: missense variant.
Genome position (GRCh38, 1-based): chr1:40,303,670, C>T on the plus strand (G>A on the coding strand, the complement: COL9A2 is on the minus strand). VCF-style: chr1-40303670-C-T. GRCh37 (hg19) VCF-style: chr1-40769342-C-T.
Other names: short protein forms V470I.
Identifiers: ClinVar variation 1355629 (VCV001355629.9), dbSNP rs1643954398, ClinGen allele CA339878924.